The following is an entry in ClinVar:

NM_001364905.1(LRBA):c.1689C>A (p.Pro563=)

Gene: LRBA (LPS responsive beige-like anchor protein; minus strand). Cytogenetic location: 4q31.3.
Variant type: single nucleotide variant.
Coding change: c.1689C>A on transcript NM_001364905.1 (MANE Select); coding-DNA position 1689, C replaced by A.
Protein change: p.Pro563=; no amino-acid change (proline 563 retained).
Molecular consequence: synonymous variant.
Genome position (GRCh38, 1-based): chr4:150,905,904, G>T on the plus strand (C>A on the coding strand, the complement: LRBA is on the minus strand). VCF-style: chr4-150905904-G-T. GRCh37 (hg19) VCF-style: chr4-151827056-G-T.
Other names: c.1689C>A, p.Pro563= (NM_001199282.3, NM_001367550.1, NM_006726.5).
Identifiers: ClinVar variation 540404 (VCV000540404.14), dbSNP rs115894255, ClinGen allele CA3103504.

ClinVar aggregate classification (germline): Benign. Review status: criteria provided, single submitter (1 of 4 stars). 2 submissions from 2 submitters: Benign (1). 1 of the submissions does not count toward it. Last evaluated 2026-02-01.

Conditions:
LRBA-related disorder. Also called: LRBA-related condition.
Combined immunodeficiency due to LRBA deficiency. Also called: Common variable immunodeficiency 8, with autoimmunity. Identifiers: Orphanet 445018, MedGen C3553512, MONDO:0013863, OMIM 614700.

Allele frequency attached by ClinVar (database versions not stated): gnomAD exomes 0.00104; ExAC 0.00128; gnomAD 0.00417 and 0.00443; ESP Exome Variant Server 0.00477; TOPMed 0.00482; 1000 Genomes Project 0.00579; 1000 Genomes Project 30x 0.00609.
gnomAD v4.1: 1,177 of 1,613,562 alleles (0.073%); highest among the groups gnomAD compares: African/African-American, 1.4%; 10 homozygotes.

Submissions (2):

Labcorp Genetics (formerly Invitae), Labcorp
Classification: Benign for Combined immunodeficiency due to LRBA deficiency. Last evaluated: 2026-02-01. Review status: criteria provided, single submitter. Criteria: Invitae Variant Classification Sherloc (09022015). Collection method: clinical testing. Allele origin: germline.

PreventionGenetics, part of Exact Sciences
Classification: Benign for LRBA-related condition. Last evaluated: 2019-06-17. Review status: no assertion criteria provided. Collection method: clinical testing. Allele origin: germline. Not counted in ClinVar's aggregate classification.
Comment: This variant is classified as benign based on ACMG/AMP sequence variant interpretation guidelines (Richards et al. 2015 PMID: 25741868, with internal and published modifications).